The following is an entry in ClinVar:

ClinVar aggregate classification (germline): Uncertain significance. Review status: criteria provided, multiple submitters, no conflicts (2 of 4 stars). 2 submissions from 2 submitters: Uncertain significance (2). Last evaluated 2022-02-09.

Conditions:
Hereditary sensory neuropathy-deafness-dementia syndrome. Also called: Hereditary sensory neuropathy type IE; Hereditary Sensory and Autonomic Neuropathy Type 1E (HSAN1E); HSN IE; NEUROPATHY, HEREDITARY SENSORY, WITH HEARING LOSS AND DEMENTIA. Identifiers: Orphanet 456318, MedGen C3279885, MONDO:0013584, OMIM 614116.
Inborn genetic diseases. Identifiers: MedGen C0950123, MeSH D030342.

Allele frequency attached by ClinVar (database versions not stated): gnomAD exomes below 0.00001; gnomAD 0.00001; TOPMed 0.00001.
gnomAD v4.1: 5 of 1,613,924 alleles (0.00031%); highest among the groups gnomAD compares: Non-Finnish European, 0.00034%; no homozygotes.

Submissions (2):

Ambry Genetics
Classification: Uncertain significance for Inborn genetic diseases. Last evaluated: 2022-02-09. Review status: criteria provided, single submitter. Criteria: Ambry Variant Classification Scheme 2023. Collection method: clinical testing. Allele origin: germline.
Comment: The p.P290S variant (also known as c.868C>T), located in coding exon 11 of the DNMT1 gene, results from a C to T substitution at nucleotide position 868. The proline at codon 290 is replaced by serine, an amino acid with similar properties. This amino acid position is well conserved in available vertebrate species. In addition, this alteration is predicted to be tolerated by in silico analysis. Since supporting evidence is limited at this time, the clinical significance of this alteration remains unclear.

Illumina Laboratory Services, Illumina
Classification: Uncertain significance for Hereditary sensory neuropathy-deafness-dementia syndrome. Last evaluated: 2018-01-12. Review status: criteria provided, single submitter. Criteria: ICSL Variant Classification Criteria 13 December 2019. Collection method: clinical testing. Allele origin: germline.

NM_001130823.3(DNMT1):c.916C>T (p.Pro306Ser)

Gene: DNMT1 (DNA methyltransferase 1; minus strand). Cytogenetic location: 19p13.2.
Variant type: single nucleotide variant.
Coding change: c.916C>T on transcript NM_001130823.3 (MANE Select); coding-DNA position 916, C replaced by T.
Protein change: p.Pro306Ser; replaces proline 306 with serine.
Molecular consequence: missense variant.
Genome position (GRCh38, 1-based): chr19:10,163,336, G>A on the plus strand (C>T on the coding strand, the complement: DNMT1 is on the minus strand). VCF-style: chr19-10163336-G-A. GRCh37 (hg19) VCF-style: chr19-10274012-G-A.
Other names: c.868C>T, p.Pro290Ser (NM_001318730.2, NM_001379.4); c.553C>T, p.Pro185Ser (NM_001318731.2); c.916C>T (LRG_362t1); short protein forms P306S, P185S, P290S.
Identifiers: ClinVar variation 327920 (VCV000327920.7), dbSNP rs761747950, ClinGen allele CA10651385.